The following is an entry in ClinVar:

ClinVar aggregate classification (germline): Pathogenic (1 of 4 stars; one submission).

Conditions:
3-methylglutaconic aciduria, type VIIB (MGCA7B). Also called: 3-methylglutaconic aciduria, type VII, with cataracts, neurologic involvement and neutropenia; CLPB Deficiency; 3-methylglutaconic aciduria with cataracts, neurologic involvement and neutropenia. Identifiers: Orphanet 445038, MedGen C5676893, MONDO:0014561, OMIM 616271.

Submission:

Labcorp Genetics (formerly Invitae), Labcorp
Classification: Pathogenic for 3-methylglutaconic aciduria, type VIIB. Last evaluated: 2019-09-18. Review status: criteria provided, single submitter. Criteria: Invitae Variant Classification Sherloc (09022015). Collection method: clinical testing. Allele origin: germline.
Comment: For these reasons, this variant has been classified as Pathogenic. Loss-of-function variants in CLPB are known to be pathogenic (PMID: 25597510, 28687938). This variant has not been reported in the literature in individuals with CLPB-related conditions. This variant is an out-of-frame deletion of the genomic region encompassing exons 4-5 of the CLPB gene. This is expected to create a premature translational stop signal and result in an absent or disrupted protein product.

Literature cited by the submitters: PubMed 25597510; PubMed 28687938.

NC_000011.10:g.(?_72372905)_(72380404_?)del

Gene: CLPB (ClpB family mitochondrial disaggregase; minus strand). Cytogenetic location: 11q13.4.
Variant type: Deletion.
Identifiers: ClinVar variation 830973 (VCV000830973.8).